The following is an entry in ClinVar:

NM_001284401.2(TAMM41):c.741G>A (p.Gln247=)

Gene: TAMM41 (TAM41 mitochondrial translocator assembly and maintenance homolog). Cytogenetic location: 3p25.2.
Variant type: single nucleotide variant.
Coding change: c.741G>A on transcript NM_001284401.2 (MANE Select); coding-DNA position 741, G replaced by A.
Protein change: p.Gln247=; no amino-acid change (glutamine 247 retained).
Molecular consequence: synonymous variant. On other transcripts: non-coding transcript variant (8).
Genome position (GRCh38, 1-based): chr3:11,809,650, C>T on the plus strand (G>A on the coding strand, the complement: TAMM41 is on the minus strand). VCF-style: chr3-11809650-C-T. GRCh37 (hg19) VCF-style: chr3-11851124-C-T.
Other names: c.618G>A, p.Gln206= (NM_001321294.2); c.243G>A, p.Gln81= (NM_001321295.2); c.741G>A, p.Gln247= (NM_001394474.1, NM_138807.4).
Identifiers: ClinVar variation 4980790 (VCV004980790.1).

ClinVar aggregate classification (germline): Likely benign (1 of 4 stars; one submission).

Conditions:
TAMM41-related condition.

gnomAD v4.1: 1,675 of 1,613,820 alleles (0.1%); highest among the groups gnomAD compares: Non-Finnish European, 0.13%; 3 homozygotes.

Submission:

PreventionGenetics, part of Exact Sciences
Classification: Likely benign for TAMM41-related condition. Last evaluated: 2026-03-24. Review status: criteria provided, single submitter. Criteria: ACMG Guidelines, 2015. Collection method: clinical testing. Allele origin: germline.
Comment: This variant is classified as likely benign based on ACMG/AMP sequence variant interpretation guidelines (Richards et al. 2015 PMID: 25741868, with internal and published modifications).